The following is an entry in ClinVar:

NM_001256545.2(MEGF10):c.877A>G (p.Thr293Ala)

Gene: MEGF10 (multiple EGF like domains 10; plus strand). Cytogenetic location: 5q23.2.
Variant type: single nucleotide variant.
Coding change: c.877A>G on transcript NM_001256545.2 (MANE Select); coding-DNA position 877, A replaced by G.
Protein change: p.Thr293Ala; replaces threonine 293 with alanine.
Molecular consequence: missense variant.
Genome position (GRCh38, 1-based): chr5:127,402,642, A>G. VCF-style: chr5-127402642-A-G. GRCh37 (hg19) VCF-style: chr5-126738334-A-G.
Other names: c.877A>G, p.Thr293Ala (NM_001308119.2, NM_001308121.2, NM_032446.3); short protein forms T293A.
Identifiers: ClinVar variation 1223413 (VCV001223413.9), dbSNP rs144187055, ClinGen allele CA3391422.
Genomic context (GRCh38, chr5:127,402,642, plus strand): 5'-TTTGGAAAGAACTGTTCCCAAGAATGCCAGTGCCATAATGGAGGGACGTGTGATGCTGCC[A>G]CAGGCCAATGTCATTGCAGTCCAGGATACACAGGGGAACGGTAAGGGATGCCCTTGTATT-3'
Protein context (NP_001243474.1, residues 283-303): CHNGGTCDAA[Thr293Ala]GQCHCSPGYT

ClinVar aggregate classification (germline): Uncertain significance. Review status: criteria provided, multiple submitters, no conflicts (2 of 4 stars). 3 submissions from 3 submitters: Uncertain significance (3). Last evaluated 2025-11-24.

Conditions:
MEGF10-related myopathy (CMYO10A). Also called: Congenital myopathy 10A, severe variant. Identifiers: Orphanet 439212, MedGen C3280679, MONDO:0013731, OMIM 614399.
Inborn genetic diseases. Identifiers: MedGen C0950123, MeSH D030342.

Allele frequency attached by ClinVar (database versions not stated): gnomAD exomes 0.00002 and 0.00005; ExAC 0.00005; gnomAD 0.00021 and 0.00022; ESP Exome Variant Server 0.00023; TOPMed 0.00032.
gnomAD v4.1: 65 of 1,614,160 alleles (0.004%); highest among the groups gnomAD compares: African/African-American, 0.071%; no homozygotes.

Submissions (3):

Ambry Genetics
Classification: Uncertain significance for Inborn genetic diseases. Last evaluated: 2025-11-24. Review status: criteria provided, single submitter. Criteria: Ambry Variant Classification Scheme 2023. Collection method: clinical testing. Allele origin: germline.

GeneDx
Classification: Uncertain significance. Last evaluated: 2024-09-12. Review status: criteria provided, single submitter. Criteria: GeneDx Variant Classification Process June 2021. Collection method: clinical testing. Allele origin: germline. Affected: yes.
Comment: In silico analysis supports that this missense variant has a deleterious effect on protein structure/function; Has not been previously published as pathogenic or benign to our knowledge

Labcorp Genetics (formerly Invitae), Labcorp
Classification: Uncertain significance for MEGF10-related myopathy. Last evaluated: 2022-08-19. Review status: criteria provided, single submitter. Criteria: Invitae Variant Classification Sherloc (09022015). Collection method: clinical testing. Allele origin: germline.
Comment: This sequence change replaces threonine, which is neutral and polar, with alanine, which is neutral and non-polar, at codon 293 of the MEGF10 protein (p.Thr293Ala). This variant is present in population databases (rs144187055, gnomAD 0.06%). This variant has not been reported in the literature in individuals affected with MEGF10-related conditions. ClinVar contains an entry for this variant (Variation ID: 1223413). Algorithms developed to predict the effect of missense changes on protein structure and function are either unavailable or do not agree on the potential impact of this missense change (SIFT: "Deleterious"; PolyPhen-2: "Benign"; Align-GVGD: "Class C0"). In summary, the available evidence is currently insufficient to determine the role of this variant in disease. Therefore, it has been classified as a Variant of Uncertain Significance.